The following is an entry in ClinVar:

NM_000138.5(FBN1):c.4747+5G>T

Gene: FBN1 (fibrillin 1; minus strand). Cytogenetic location: 15q21.1.
Variant type: single nucleotide variant.
Coding change: c.4747+5G>T on transcript NM_000138.5 (MANE Select); 5 bases into the intron after coding-DNA position 4747, G replaced by T.
Molecular consequence: intron variant.
Genome position (GRCh38, 1-based): chr15:48,467,933, C>A on the plus strand (G>T on the coding strand, the complement: FBN1 is on the minus strand). VCF-style: chr15-48467933-C-A. GRCh37 (hg19) VCF-style: chr15-48760130-C-A.
Identifiers: ClinVar variation 457224 (VCV000457224.6), dbSNP rs193922209, ClinGen allele CA658656473.

ClinVar aggregate classification (germline): Pathogenic (1 of 4 stars; one submission).

Conditions:
Marfan syndrome (MFS). Also called: MARFAN SYNDROME, TYPE I; FBN1-Related Marfan Syndrome; Marfan syndrome type 1; Marfan's syndrome; Marfan syndrome, classic. Identifiers: Orphanet 284963, Orphanet 558, MedGen C0024796, MONDO:0007947, OMIM 154700.
Familial thoracic aortic aneurysm and aortic dissection (TAAD). Also called: Thoracic aortic aneurysms and dissections. Identifiers: Orphanet 91387, MedGen C4707243, MONDO:0019625.

Submission:

Labcorp Genetics (formerly Invitae), Labcorp
Classification: Pathogenic for Marfan syndrome; Familial thoracic aortic aneurysm and aortic dissection. Last evaluated: 2025-02-17. Review status: criteria provided, single submitter. Criteria: Invitae Variant Classification Sherloc (09022015). Collection method: clinical testing. Allele origin: germline.
Comment: This sequence change falls in intron 38 of the FBN1 gene. It does not directly change the encoded amino acid sequence of the FBN1 protein. RNA analysis indicates that this variant induces altered splicing and likely results in the loss of 17 amino acid residue(s), but is expected to preserve the integrity of the reading-frame. This variant is not present in population databases (gnomAD no frequency). This variant has been observed in individual(s) with clinical features of Marfan syndrome (PMID: 10189089, 27906200). ClinVar contains an entry for this variant (Variation ID: 457224). Variants that disrupt the consensus splice site are a relatively common cause of aberrant splicing (PMID: 17576681, 9536098). Studies have shown that this variant results in the activation of a cryptic splice site in exon 38 (PMID: 10189089). This variant affects a cysteine residue in the EGF-like, TGFBP or hybrid motif domains of FBN1. Cysteine residues are believed to be involved in intramolecular disulfide bridges and have been shown to be important for FBN1 protein structure (PMID: 16905551, 19349279). In addition, missense substitutions affecting cysteine residues within these domains are significantly overrepresented among patients with Marfan syndrome (PMID: 16571647, 17701892). This variant disrupts the c.4747+5G nucleotide in the FBN1 gene. Other variant(s) that disrupt this nucleotide have been determined to be pathogenic (PMID: 17657824; internal data). This suggests that this nucleotide is clinically significant, and that variants that disrupt this position are likely to be disease-causing. For these reasons, this variant has been classified as Pathogenic.

Literature cited by the submitters: PubMed 10189089; PubMed 27906200; PubMed 17576681; PubMed 9536098; PubMed 16905551; PubMed 19349279; PubMed 16571647; PubMed 17701892; PubMed 17657824.